The following is an entry in ClinVar:

NM_000132.4(F8):c.926C>T (p.Pro309Leu)

Gene: F8 (coagulation factor VIII; minus strand). Cytogenetic location: Xq28.
Variant type: single nucleotide variant.
Coding change: c.926C>T on transcript NM_000132.4 (MANE Select); coding-DNA position 926, C replaced by T.
Protein change: p.Pro309Leu; replaces proline 309 with leucine.
Molecular consequence: missense variant.
Genome position (GRCh38, 1-based): chrX:154,969,414, G>A on the plus strand (C>T on the coding strand, the complement: F8 is on the minus strand). VCF-style: chrX-154969414-G-A. GRCh37 (hg19) VCF-style: chrX-154197689-G-A.
Other names: short protein forms P309L.
Identifiers: ClinVar variation 627407 (VCV000627407.4), dbSNP rs1603435401, ClinGen allele CA414917885.

ClinVar aggregate classification (germline): Uncertain significance. Review status: criteria provided, multiple submitters, no conflicts (2 of 4 stars). 2 submissions from 2 submitters: Uncertain significance (2). Last evaluated 2022-02-19.

Conditions:
Hereditary factor IX deficiency disease (HEMB). Also called: F9 DEFICIENCY; FACTOR IX DEFICIENCY; Christmas Disease; PLASMA THROMBOPLASTIN COMPONENT DEFICIENCY; Hemophilia B. Identifiers: Orphanet 98879, MedGen C0008533, MeSH D002836, MONDO:0010604, OMIM 306900.

Submissions (2):

GeneDx
Classification: Uncertain significance. Last evaluated: 2022-02-19. Review status: criteria provided, single submitter. Criteria: GeneDx Variant Classification Process June 2021. Collection method: clinical testing. Allele origin: germline. Affected: yes.
Comment: Not observed at significant frequency in large population cohorts (gnomAD); In silico analysis supports that this missense variant has a deleterious effect on protein structure/function; Has not been previously published as pathogenic or benign to our knowledge; This variant is associated with the following publications: (PMID: 31064749)

NIHR Bioresource Rare Diseases, University of Cambridge
Classification: Uncertain significance for Hereditary factor IX deficiency disease. Last evaluated: 2019-02-01. Review status: criteria provided, single submitter. Criteria: ACMG Guidelines, 2015. Collection method: research. Allele origin: unknown. Affected: yes. Observed: 1 hemizygote. Study: ThromboGenomics.

Literature cited by the submitters: PubMed 31064749 (cited by NIHR Bioresource Rare Diseases, University of Cambridge).